The following is an entry in ClinVar:

ClinVar aggregate classification (germline): Uncertain significance (1 of 4 stars; one submission).

Submission:

Quest Diagnostics Nichols Institute San Juan Capistrano
Classification: Uncertain significance. Last evaluated: 2023-08-22. Review status: criteria provided, single submitter. Criteria: Quest Diagnostics criteria. Collection method: clinical testing. Allele origin: unknown.
Comment: To the best of our knowledge, this variant has not been reported in the published literature. It also has not been reported in large, multi-ethnic general populations (Genome Aggregation Database). Analysis of this variant using bioinformatics tools for the prediction of the effect of amino acid changes on protein structure and function yielded predictions that this variant is benign. Based on the available information, we are unable to determine the clinical significance of this variant.

NM_000135.4(FANCA):c.819G>T (p.Met273Ile)

Gene: FANCA (FA complementation group A; minus strand). Cytogenetic location: 16q24.3.
Variant type: single nucleotide variant.
Coding change: c.819G>T on transcript NM_000135.4 (MANE Select); coding-DNA position 819, G replaced by T.
Protein change: p.Met273Ile; replaces methionine 273 with isoleucine.
Molecular consequence: missense variant.
Genome position (GRCh38, 1-based): chr16:89,799,612, C>A on the plus strand (G>T on the coding strand, the complement: FANCA is on the minus strand). VCF-style: chr16-89799612-C-A. GRCh37 (hg19) VCF-style: chr16-89866020-C-A.
Other names: c.819G>T, p.Met273Ile (NM_001018112.3, NM_001286167.3); c.723G>T, p.Met241Ile (NM_001351830.2); short protein forms M241I, M273I.
Identifiers: ClinVar variation 2681911 (VCV002681911.1), dbSNP rs2544305534, ClinGen allele CA397473453.